The following is an entry in ClinVar:

NM_000053.4(ATP7B):c.1570A>G (p.Met524Val)

Gene: ATP7B (ATPase copper transporting beta; minus strand). Cytogenetic location: 13q14.3.
Variant type: single nucleotide variant.
Coding change: c.1570A>G on transcript NM_000053.4 (MANE Select); coding-DNA position 1570, A replaced by G.
Protein change: p.Met524Val; replaces methionine 524 with valine.
Molecular consequence: missense variant. On other transcripts: intron variant (3).
Genome position (GRCh38, 1-based): chr13:51,968,581, T>C on the plus strand (A>G on the coding strand, the complement: ATP7B is on the minus strand). VCF-style: chr13-51968581-T-C. GRCh37 (hg19) VCF-style: chr13-52542717-T-C.
Other names: c.1544-7A>G (NM_001406514.1, NM_001406524.1); c.1237A>G, p.Met413Val (NM_001243182.2); c.1570A>G, p.Met524Val (NM_001330578.2, NM_001330579.2, NM_001406511.1 and 26 more transcripts); c.1474A>G, p.Met492Val (NM_001406517.1, NM_001406530.1, NM_001406536.1 and 3 more transcripts); c.1141A>G, p.Met381Val (NM_001406539.1); c.1285+5354A>G (NM_001406548.1); c.1570A>G (NM_000053.3); short protein forms M381V, M413V, M492V, M524V.
Identifiers: ClinVar variation 4757748 (VCV004757748.2).

ClinVar aggregate classification (germline): Uncertain significance. Review status: criteria provided, multiple submitters, no conflicts (2 of 4 stars). 2 submissions from 2 submitters: Uncertain significance (2). Last evaluated 2026-07-02.

Conditions:
Wilson disease (WND). Also called: Wilson's disease. Identifiers: Orphanet 905, MedGen C0019202, MONDO:0010200, OMIM 277900. Disease mechanism: loss of function.
Inborn genetic diseases. Identifiers: MedGen C0950123, MeSH D030342.

Submissions (2):

Ambry Genetics
Classification: Uncertain significance for Inborn genetic diseases. Last evaluated: 2026-07-02. Review status: criteria provided, single submitter. Criteria: Ambry Variant Classification Scheme 2023. Collection method: clinical testing. Allele origin: germline.
Comment: The p.M524V variant (also known as c.1570A>G), located in coding exon 4 of the ATP7B gene, results from an A to G substitution at nucleotide position 1570. The methionine at codon 524 is replaced by valine, an amino acid with highly similar properties. This amino acid position is conserved. In addition, this alteration is predicted to be deleterious by in silico analysis. Based on the available evidence, the clinical significance of this variant remains unclear.

Color Diagnostics, LLC DBA Color Health
Classification: Uncertain significance for Wilson disease. Last evaluated: 2025-07-17. Review status: criteria provided, single submitter. Criteria: ACMG Guidelines, 2015. Collection method: clinical testing. Allele origin: germline.
Comment: This missense variant replaces methionine with valine at codon 524 of the ATP7B protein. Computational prediction suggests that this variant may have deleterious impact on protein structure and function. To our knowledge, functional studies have not been reported for this variant. This variant has not been reported in individuals affected with ATP7B-related disorders in the literature. This variant has not been identified in the general population by the Genome Aggregation Database (gnomAD). The available evidence is insufficient to determine the role of this variant in disease conclusively. Therefore, this variant is classified as a Variant of Uncertain Significance.